The following is an entry in ClinVar:

ClinVar aggregate classification (germline): Uncertain significance (1 of 4 stars; one submission).

Conditions:
Severe combined immunodeficiency due to DNA-PKcs deficiency. Also called: Immunodeficiency 26 with or without neurologic abnormalities; IMMUNODEFICIENCY 26 WITH NEUROLOGIC ABNORMALITIES. Identifiers: Orphanet 317425, MedGen C4014833, MONDO:0014423, OMIM 615966.

Allele frequency attached by ClinVar (database versions not stated): TOPMed below 0.00001; gnomAD 0.00001; gnomAD exomes 0.00001; ExAC 0.00002; 1000 Genomes Project 30x 0.00016; 1000 Genomes Project 0.00020.
gnomAD v4.1: 13 of 1,613,988 alleles (0.00081%); highest among the groups gnomAD compares: South Asian, 0.0033%; 1 homozygote.

Submission:

Labcorp Genetics (formerly Invitae), Labcorp
Classification: Uncertain significance for Severe combined immunodeficiency due to DNA-PKcs deficiency. Last evaluated: 2023-10-05. Review status: criteria provided, single submitter. Criteria: Invitae Variant Classification Sherloc (09022015). Collection method: clinical testing. Allele origin: germline.
Comment: This sequence change replaces methionine, which is neutral and non-polar, with isoleucine, which is neutral and non-polar, at codon 3980 of the PRKDC protein (p.Met3980Ile). This variant is present in population databases (rs557049093, gnomAD 0.002%). This variant has not been reported in the literature in individuals affected with PRKDC-related conditions. ClinVar contains an entry for this variant (Variation ID: 645773). Advanced modeling of protein sequence and biophysical properties (such as structural, functional, and spatial information, amino acid conservation, physicochemical variation, residue mobility, and thermodynamic stability) performed at Invitae indicates that this missense variant is not expected to disrupt PRKDC protein function. In summary, the available evidence is currently insufficient to determine the role of this variant in disease. Therefore, it has been classified as a Variant of Uncertain Significance.

NM_006904.7(PRKDC):c.11940G>A (p.Met3980Ile)

Gene: PRKDC (protein kinase, DNA-activated, catalytic subunit; minus strand). Cytogenetic location: 8q11.21.
Variant type: single nucleotide variant.
Coding change: c.11940G>A on transcript NM_006904.7 (MANE Select); coding-DNA position 11940, G replaced by A.
Protein change: p.Met3980Ile; replaces methionine 3980 with isoleucine.
Molecular consequence: missense variant.
Genome position (GRCh38, 1-based): chr8:47,777,788, C>T on the plus strand (G>A on the coding strand, the complement: PRKDC is on the minus strand). VCF-style: chr8-47777788-C-T. GRCh37 (hg19) VCF-style: chr8-48690349-C-T.
Other names: c.11847G>A, p.Met3949Ile (NM_001081640.2); short protein forms M3949I, M3980I.
Identifiers: ClinVar variation 645773 (VCV000645773.6), dbSNP rs557049093, ClinGen allele CA4738949.